The following is an entry in ClinVar:

NM_005026.5(PIK3CD):c.157dup (p.Ala53fs)

Gene: PIK3CD (phosphatidylinositol-4,5-bisphosphate 3-kinase catalytic subunit delta; plus strand). Cytogenetic location: 1p36.22.
Variant type: Duplication.
Coding change: c.157dup on transcript NM_005026.5 (MANE Select); coding-DNA position 157, one base duplicated (G; older notation c.157dupG).
Protein change: p.Ala53fs; shifts the reading frame from alanine 53.
Molecular consequence: frameshift variant.
Genome position (GRCh38, 1-based): chr1:9,715,556, G duplicated. VCF-style (leftmost placement, unchanged base first): chr1-9715555-C-CG. GRCh37 (hg19) VCF-style: chr1-9775613-C-CG.
Other names: c.157dup, p.Ala53fs (NM_001439206.1, NM_001350234.2, NM_001350235.1 and 3 more transcripts); short protein forms A53fs.
Identifiers: ClinVar variation 4762344 (VCV004762344.1).

ClinVar aggregate classification (germline): Pathogenic (1 of 4 stars; one submission).

Conditions:
Immunodeficiency 14 (IMD14A). Also called: p110-DELTA-ACTIVATING MUTATION CAUSING SENESCENT T CELLS, LYMPHADENOPATHY, AND IMMUNODEFICIENCY; ACTIVATED PI3K-DELTA SYNDROME 1; Activated PI3K Delta Syndrome Type 1 (APDS1); IMMUNODEFICIENCY 14A WITH LYMPHOPROLIFERATION, AUTOSOMAL DOMINANT. Identifiers: Orphanet 397596, Orphanet 693661, MedGen C5907821, MONDO:0014222, OMIM 615513.

Submission:

Labcorp Genetics (formerly Invitae), Labcorp
Classification: Pathogenic for Activated PI3K-delta syndrome. Last evaluated: 2025-06-17. Review status: criteria provided, single submitter. Criteria: Invitae Variant Classification Sherloc (09022015). Collection method: clinical testing. Allele origin: germline.
Comment: This sequence change creates a premature translational stop signal (p.Ala53Glyfs*4) in the PIK3CD gene. It is expected to result in an absent or disrupted protein product. Loss-of-function variants in PIK3CD are known to be pathogenic (PMID: 30040974, 31073077). This variant is not present in population databases (gnomAD no frequency). This variant has not been reported in the literature in individuals affected with PIK3CD-related conditions. For these reasons, this variant has been classified as Pathogenic.

Literature cited by the submitters: PubMed 30040974; PubMed 31073077.